The following is an entry in ClinVar:

NM_004628.5(XPC):c.566_567del (p.Tyr189fs)

Gene: XPC (XPC complex subunit, DNA damage recognition and repair factor; minus strand). Cytogenetic location: 3p25.1.
Variant type: Microsatellite.
Coding change: c.566_567del on transcript NM_004628.5 (MANE Select); coding-DNA positions 566 to 567, 2 bases deleted (AT; older notation c.566_567delAT).
Protein change: p.Tyr189fs; shifts the reading frame from tyrosine 189.
Molecular consequence: frameshift variant. On other transcripts: 5 prime UTR variant (1), non-coding transcript variant (2).
Genome position (GRCh38, 1-based): chr3:14,167,223-14,167,224, AT deleted on the plus strand (AT on the coding strand, the reverse complement: XPC is on the minus strand); deleting any 2 consecutive bases within chr3:14,167,223-14,167,226 gives the same sequence; the c. name uses the placement nearest the transcript's 3' end. VCF-style (leftmost placement, unchanged base first): chr3-14167222-GAT-G. GRCh37 (hg19) VCF-style: chr3-14208722-GAT-G.
Other names: c.566_567delAT (NM_004628.4); c.-16AT[1] (NM_001354726.2); c.566_567del, p.Tyr189fs (NM_001354727.2, NM_001354730.2); c.548_549del, p.Tyr183fs (NM_001354729.2); short protein forms Y189fs, Y183fs.
Identifiers: ClinVar variation 258 (VCV000000258.20), dbSNP rs752088918, ClinGen allele CA251393.
Genomic context (GRCh38, chr3:14,167,222, plus strand): 5'-CCCTTACCTTGTGTGTGTCCTCATGGACCCCTTTATTGAAACGTTTCATCGCCCTCCGAA[GAT>G]ATGTCTCAAACTCCAGTTTTATCTTTTCACTGCAACAAATAGTGAAAAATCTGGGAATGA-3'

ClinVar aggregate classification (germline): Pathogenic. Review status: criteria provided, multiple submitters, no conflicts (2 of 4 stars). 7 submissions from 7 submitters: Pathogenic (5). 2 of the submissions do not count toward it. Last evaluated 2026-01-13.

Conditions:
XPC-related disorder. Also called: XPC-related condition.
Xeroderma pigmentosum (XP). Identifiers: Orphanet 910, MedGen C0043346, MONDO:0019600.
Xeroderma pigmentosum, group C (XPC). Also called: XPC-Related Xeroderma Pigmentosum; XERODERMA PIGMENTOSUM III; XP, GROUP C; Xeroderma pigmentosum, complementation group C. Identifiers: Orphanet 910, MedGen C2752147, MONDO:0010211, OMIM 278720.

Submissions (7):

Labcorp Genetics (formerly Invitae), Labcorp
Classification: Pathogenic. Last evaluated: 2026-01-13. Review status: criteria provided, single submitter. Criteria: Invitae Variant Classification Sherloc (09022015). Collection method: clinical testing. Allele origin: germline.
Comment: This sequence change creates a premature translational stop signal (p.Tyr189Serfs*10) in the XPC gene. It is expected to result in an absent or disrupted protein product. Loss-of-function variants in XPC are known to be pathogenic (PMID: 23173980, 25256075). This variant is present in population databases (rs752088918, gnomAD 0.06%). This premature translational stop signal has been observed in individual(s) with xeroderma pigmentosum (PMID: 11121128). It has also been observed to segregate with disease in related individuals. This variant is also known as c.669_670delAT. ClinVar contains an entry for this variant (Variation ID: 258). For these reasons, this variant has been classified as Pathogenic.

Fulgent Genetics
Classification: Pathogenic for Xeroderma pigmentosum, group C. Last evaluated: 2024-03-30. Review status: criteria provided, single submitter. Criteria: ACMG Guidelines, 2015. Collection method: clinical testing. Allele origin: germline.

Baylor Genetics
Classification: Pathogenic for Xeroderma pigmentosum, group C. Last evaluated: 2024-03-19. Review status: criteria provided, single submitter. Criteria: ACMG Guidelines, 2015. Collection method: clinical testing. Allele origin: unknown.

Blueprint Genetics
Classification: Pathogenic for XPC-related disorders. Last evaluated: 2024-01-08. Review status: criteria provided, single submitter. Criteria: ACMG Guidelines, 2015. Collection method: clinical testing. Allele origin: germline. Affected: yes. Observed: 1 variant allele.

Women's Health and Genetics/Laboratory Corporation of America, LabCorp
Classification: Pathogenic for Xeroderma pigmentosum. Last evaluated: 2017-07-20. Review status: criteria provided, single submitter. Criteria: LabCorp Variant Classification Summary - May 2015. Collection method: clinical testing. Allele origin: germline.
Comment: Variant summary: The c.566_567delAT (p.Tyr189Serfs) variant in XPC gene is a frameshift change predicted to cause loss of normal protein function through protein truncation or nonsense-mediated mRNA decay. These predictions were confirmed by Northern blot analysis that has revealed greatly reduced xeroderma pigmentosum complementation group C mRNA as well as reductions in post-ultraviolet survival rate, unscheduled DNA synthesis, global genome DNA repair deficiency and aborted plasmid host cell reactivation (Slor ,2000). The variant is present in the large control population dataset of ExAC at a low frequency 0.00004 (5/113986 chrs tested), exclusively in individuals of European descent (0.000079; 5/63374 chrs tested) which does not exceed the maximal expected frequency of a pathogenic allele (0.0014) in this gene. The variant of interest has been reported homozygously in at least 3 XP-C patients. The c.566_567delAT is cited as Pathogenic by reputable database/diagnostic center. Taken together, the variant was classified as Pathogenic.

Counsyl
Classification: Pathogenic for Xeroderma pigmentosum, group C. Last evaluated: 2017-02-06. Review status: no assertion criteria provided. Collection method: clinical testing. Allele origin: unknown. Not counted in ClinVar's aggregate classification.

OMIM
Classification: Pathogenic for XERODERMA PIGMENTOSUM, COMPLEMENTATION GROUP C. Last evaluated: 2000-12-01. Review status: no assertion criteria provided. Collection method: literature only. Allele origin: germline. Not counted in ClinVar's aggregate classification.

Literature cited by the submitters: PubMed 23173980 (cited by Labcorp Genetics (formerly Invitae), Labcorp); PubMed 25256075 (cited by Labcorp Genetics (formerly Invitae), Labcorp); PubMed 11121128 (cited by 4 submitters); PubMed 16081512 (cited by Women's Health and Genetics/Laboratory Corporation of America, LabCorp and Counsyl); PubMed 17079196 (cited by Women's Health and Genetics/Laboratory Corporation of America, LabCorp); PubMed 15107491 (cited by Counsyl).